The following is an entry in ClinVar:

NM_000297.4(PKD2):c.2668G>A (p.Glu890Lys)

Gene: PKD2 (polycystin 2, transient receptor potential cation channel; plus strand). Cytogenetic location: 4q22.1.
Variant type: single nucleotide variant.
Coding change: c.2668G>A on transcript NM_000297.4 (MANE Select); coding-DNA position 2668, G replaced by A.
Protein change: p.Glu890Lys; replaces glutamic acid 890 with lysine.
Molecular consequence: missense variant. On other transcripts: non-coding transcript variant (1).
Genome position (GRCh38, 1-based): chr4:88,074,957, G>A. VCF-style: chr4-88074957-G-A. GRCh37 (hg19) VCF-style: chr4-88996109-G-A.
Other names: short protein forms E890K.
Identifiers: ClinVar variation 907367 (VCV000907367.13), dbSNP rs770609334, ClinGen allele CA3004309.
Genomic context (GRCh38, chr4:88,074,957, plus strand): 5'-ATGGAGCGAGCCAAACTGAAGAGGAGGGAGGTGCTGGGAAGGCTGTTGGATGGGGTGGCC[G>A]AGGTCAGTAGTCATGAGCTGAAAACACCGCTGCTGAGCATGGTGTTATTAATGAAAATAT-3'
Protein context (NP_000288.1, residues 880-900): VLGRLLDGVA[Glu890Lys]DERLGRDSEI

ClinVar aggregate classification (germline): Conflicting classifications of pathogenicity. Review status: criteria provided, conflicting classifications (1 of 4 stars). 3 submissions from 3 submitters: Uncertain significance (2); Likely benign (1). Last evaluated 2025-09-03.

Conditions:
Polycystic kidney disease 2 (PKD2). Also called: Polycystic Kidney Disease 2, Autosomal Dominant; POLYCYSTIC KIDNEY DISEASE, ADULT, TYPE II; POLYCYSTIC KIDNEY DISEASE 2 WITH OR WITHOUT POLYCYSTIC LIVER DISEASE. Identifiers: MedGen C2751306, MONDO:0013131, OMIM 613095.
Autosomal dominant polycystic kidney disease. Identifiers: Orphanet 730, MedGen C0085413, MONDO:0004691.

Allele frequency attached by ClinVar (database versions not stated): TOPMed below 0.00001; gnomAD 0.00001; gnomAD exomes 0.00002; ExAC 0.00005.
gnomAD v4.1: 98 of 1,613,946 alleles (0.0061%); highest among the groups gnomAD compares: East Asian, 0.2%; no homozygotes.

Submissions (3):

Labcorp Genetics (formerly Invitae), Labcorp
Classification: Uncertain significance for Autosomal dominant polycystic kidney disease. Last evaluated: 2025-09-03. Review status: criteria provided, single submitter. Criteria: Invitae Variant Classification Sherloc (09022015). Collection method: clinical testing. Allele origin: germline.
Comment: This sequence change replaces glutamic acid, which is acidic and polar, with lysine, which is basic and polar, at codon 890 of the PKD2 protein (p.Glu890Lys). This variant is present in population databases (rs770609334, gnomAD 0.03%). This missense change has been observed in individual(s) with clinical features of polycystic kidney disease (PMID: 30820006, 31740684, 37509056). ClinVar contains an entry for this variant (Variation ID: 907367). An algorithm developed to predict the effect of missense changes on protein structure and function (PolyPhen-2) suggests that this variant is likely to be disruptive. In summary, the available evidence is currently insufficient to determine the role of this variant in disease. Therefore, it has been classified as a Variant of Uncertain Significance.

GeneDx
Classification: Likely benign. Last evaluated: 2021-03-24. Review status: criteria provided, single submitter. Criteria: GeneDx Variant Classification Process June 2021. Collection method: clinical testing. Allele origin: germline. Affected: yes.
Comment: In silico analysis supports that this missense variant does not alter protein structure/function; Reported in a patient with intracranial aneurysm in published literature (Hirota et al., 2016); This variant is associated with the following publications: (PMID: 31740684, 30820006, 24611717, 27567292)

Illumina Laboratory Services, Illumina
Classification: Uncertain significance for Polycystic kidney disease 2. Last evaluated: 2017-10-12. Review status: criteria provided, single submitter. Criteria: ICSL Variant Classification Criteria 13 December 2019. Collection method: clinical testing. Allele origin: germline.
Comment: This variant was observed as part of a predisposition screen in an ostensibly healthy population. A literature search was performed for the gene, cDNA change, and amino acid change (where applicable). Publications were found based on this search. However, the evidence from the literature, in combination with allele frequency data from public databases where available, was not sufficient to rule this variant in or out of causing disease. Therefore, this variant is classified as a variant of unknown significance.

Literature cited by the submitters: PubMed 30820006 (cited by Labcorp Genetics (formerly Invitae), Labcorp); PubMed 31740684 (cited by Labcorp Genetics (formerly Invitae), Labcorp); PubMed 37509056 (cited by Labcorp Genetics (formerly Invitae), Labcorp); PubMed 27567292 (cited by Illumina Laboratory Services, Illumina); PubMed 24611717 (cited by Illumina Laboratory Services, Illumina).